The following is an entry in ClinVar:

ClinVar aggregate classification (germline): Likely pathogenic (1 of 4 stars; one submission).

Conditions:
Usher syndrome type 1D (USH1D). Also called: USHER SYNDROME, TYPE ID. Identifiers: Orphanet 231169, Orphanet 886, MedGen C1832845, MONDO:0010984, OMIM 601067.

Submission:

GeneID Lab - Advanced Molecular Diagnostics
Classification: Likely pathogenic for Usher syndrome type 1D. Last evaluated: 2018-07-27. Review status: criteria provided, single submitter. Criteria: ACMG Guidelines, 2015. Collection method: clinical testing. Allele origin: germline. Affected: no. Observed: 1 variant allele.
Comment: This variant inserts eight nucleotides resulting in an amino acid alteration, replacing a phenylalanine (F) with a leucine (L) at position 2086, creating a premature stop signal in the new reading frame noted as p.Phe2086Leufs*26. The substitution is predicted to result in a non-functional CDH23 protein either through protein truncation or nonsense-mediated mRNA decay. This variant has not been reported in the ClinVar Database (NCBI National Library of Medicine, NIH), and it has not been described in population databases such as gnomAD exones. Based on these findings and the limited literature regarding this substitution we consider it as a “likely pathogenic variant”.

NM_022124.6(CDH23):c.6255_6256insCTCCCTTT (p.Phe2086fs)

Gene: CDH23 (cadherin related 23; plus strand). Cytogenetic location: 10q22.1.
Variant type: Insertion.
Coding change: c.6255_6256insCTCCCTTT on transcript NM_022124.6 (MANE Select); coding-DNA positions 6255 to 6256, CTCCCTTT inserted.
Protein change: p.Phe2086fs; shifts the reading frame from phenylalanine 2086.
Molecular consequence: frameshift variant.
Genome position: GRCh38 VCF-style: chr10-71793183-A-ACTCCCTTT. GRCh37 (hg19) VCF-style: chr10-73552940-A-ACTCCCTTT.
Other names: short protein forms F2086fs.
Identifiers: ClinVar variation 1319964 (VCV001319964.2), dbSNP rs2132953252, ClinGen allele CA2573053292.